The following is an entry in ClinVar:

ClinVar aggregate classification (germline): Uncertain significance (1 of 4 stars; one submission).

Conditions:
Familial adenomatous polyposis 1 (FAP1). Also called: FAMILIAL ADENOMATOUS POLYPOSIS 1, ATTENUATED; POLYPOSIS, ADENOMATOUS INTESTINAL. Identifiers: MedGen C2713442, MONDO:0021056, OMIM 175100. Disease mechanism: loss of function.

Submission:

Labcorp Genetics (formerly Invitae), Labcorp
Classification: Uncertain significance for Familial adenomatous polyposis 1. Last evaluated: 2023-02-06. Review status: criteria provided, single submitter. Criteria: Invitae Variant Classification Sherloc (09022015). Collection method: clinical testing. Allele origin: germline.
Comment: This variant, c.871_885del, results in the deletion of 5 amino acid(s) of the APC protein (p.Val291_Ser295del), but otherwise preserves the integrity of the reading frame. In summary, the available evidence is currently insufficient to determine the role of this variant in disease. Therefore, it has been classified as a Variant of Uncertain Significance. Algorithms developed to predict the effect of sequence changes on RNA splicing suggest that this variant may create or strengthen a splice site. Experimental studies and prediction algorithms are not available or were not evaluated, and the functional significance of this variant is currently unknown. ClinVar contains an entry for this variant (Variation ID: 644149). This variant has not been reported in the literature in individuals affected with APC-related conditions. This variant is not present in population databases (gnomAD no frequency).

NM_000038.6(APC):c.871_885del (p.Val291_Ser295del)

Gene: APC (APC regulator of Wnt signaling pathway; plus strand). Cytogenetic location: 5q22.2.
Variant type: Deletion.
Coding change: c.871_885del on transcript NM_000038.6 (MANE Select); coding-DNA positions 871 to 885, 15 bases deleted (GTTTTGAGTTCTAGT).
Protein change: p.Val291_Ser295del.
Molecular consequence: inframe deletion.
Genome position (GRCh38, 1-based): chr5:112,815,531-112,815,545, GTTTTGAGTTCTAGT deleted; deleting any 15 consecutive bases within chr5:112,815,528-112,815,545 gives the same sequence; the c. name uses the placement nearest the transcript's 3' end. VCF-style (leftmost placement, unchanged base first): chr5-112815527-CAGTGTTTTGAGTTCT-C. GRCh37 (hg19) VCF-style: chr5-112151224-CAGTGTTTTGAGTTCT-C.
Other names: c.871_885del, p.Val291_Ser295del (NM_001127510.3, NM_001354895.2, NM_001354896.2 and 1 more transcripts); c.817_831del, p.Val273_Ser277del (NM_001127511.3); c.901_915del, p.Val301_Ser305del (NM_001354897.2, NM_001354902.2); c.796_810del, p.Val266_Ser270del (NM_001354898.2, NM_001354904.2); c.787_801del, p.Val263_Ser267del (NM_001354899.2); c.694_708del, p.Val232_Ser236del (NM_001354900.2, NM_001354901.2, NM_001354905.2); c.22_36del, p.Val8_Ser12del (NM_001354906.2).
Identifiers: ClinVar variation 644149 (VCV000644149.10), dbSNP rs1580511743, ClinGen allele CA915943467.